The following is an entry in ClinVar:

NM_025137.4(SPG11):c.7268T>G (p.Ile2423Ser)

Gene: SPG11 (SPG11 vesicle trafficking associated, spatacsin; minus strand). Cytogenetic location: 15q21.1.
Variant type: single nucleotide variant.
Coding change: c.7268T>G on transcript NM_025137.4 (MANE Select); coding-DNA position 7268, T replaced by G.
Protein change: p.Ile2423Ser; replaces isoleucine 2423 with serine.
Molecular consequence: missense variant.
Genome position (GRCh38, 1-based): chr15:44,563,185, A>C on the plus strand (T>G on the coding strand, the complement: SPG11 is on the minus strand). VCF-style: chr15-44563185-A-C. GRCh37 (hg19) VCF-style: chr15-44855383-A-C.
Other names: c.6929T>G, p.Ile2310Ser (NM_001160227.2); c.7124T>G, p.Ile2375Ser (NM_001411132.1); c.7268T>G (NM_025137.3); short protein forms I2310S, I2375S, I2423S.
Identifiers: ClinVar variation 1710024 (VCV001710024.5), dbSNP rs2140908025, ClinGen allele CA392210147.

ClinVar aggregate classification (germline): Uncertain significance. Review status: criteria provided, multiple submitters, no conflicts (2 of 4 stars). 3 submissions from 3 submitters: Uncertain significance (3). Last evaluated 2022-05-31.

Conditions:
Hereditary spastic paraplegia 11. Also called: Nakamura Osame syndrome; Autosomal recessive hereditary spastic paraplegia, mental impairment, and thin corpus callosum; Spastic paraplegia, mental retardation and thin corpus callosum; SPASTIC PARAPLEGIA, AUTOSOMAL RECESSIVE, COMPLICATED, WITH THIN CORPUS CALLOSUM; SPASTIC PARAPLEGIA, AUTOSOMAL RECESSIVE, WITH MENTAL IMPAIRMENT AND THIN CORPUS CALLOSUM; Spastic Paraplegia 11. Identifiers: Orphanet 2822, MedGen C1858479, MONDO:0011445, OMIM 604360.
Inborn genetic diseases. Identifiers: MedGen C0950123, MeSH D030342.
Amyotrophic lateral sclerosis type 5 (ALS5). Also called: AMYOTROPHIC LATERAL SCLEROSIS 5, JUVENILE. Identifiers: Orphanet 300605, MedGen C1865864, MONDO:0011196, OMIM 602099.

Allele frequency attached by ClinVar (database versions not stated): gnomAD exomes below 0.00001.
gnomAD v4.1: 1 of 1,614,172 alleles (0.000062%); highest among the groups gnomAD compares: Middle Eastern, 0.017%; no homozygotes.

Submissions (3):

Ambry Genetics
Classification: Uncertain significance for Inborn genetic diseases. Last evaluated: 2022-05-31. Review status: criteria provided, single submitter. Criteria: Ambry Variant Classification Scheme 2023. Collection method: clinical testing. Allele origin: germline.

Labcorp Genetics (formerly Invitae), Labcorp
Classification: Uncertain significance for Hereditary spastic paraplegia 11. Last evaluated: 2022-02-03. Review status: criteria provided, single submitter. Criteria: Invitae Variant Classification Sherloc (09022015). Collection method: clinical testing. Allele origin: germline.
Comment: This sequence change replaces isoleucine, which is neutral and non-polar, with serine, which is neutral and polar, at codon 2423 of the SPG11 protein (p.Ile2423Ser). This variant is not present in population databases (gnomAD no frequency). This variant has not been reported in the literature in individuals affected with SPG11-related conditions. Algorithms developed to predict the effect of missense changes on protein structure and function are either unavailable or do not agree on the potential impact of this missense change (SIFT: "Deleterious"; PolyPhen-2: "Benign"; Align-GVGD: "Class C0"). In summary, the available evidence is currently insufficient to determine the role of this variant in disease. Therefore, it has been classified as a Variant of Uncertain Significance.

MGZ Medical Genetics Center
Classification: Uncertain significance for Amyotrophic lateral sclerosis type 5. Last evaluated: 2021-12-08. Review status: criteria provided, single submitter. Criteria: ACMG Guidelines, 2015. Collection method: clinical testing. Allele origin: germline. Affected: yes. Observed: 1 variant allele.
Comment: ACMG criteria applied: PM2_SUP